The following is an entry in ClinVar:

ClinVar aggregate classification (germline): Uncertain significance (1 of 4 stars; one submission).

Conditions:
Neuroblastoma, susceptibility to, 3. Also called: ALK-Related Neuroblastic Tumor Susceptibility. Identifiers: Orphanet 635, MedGen C2751681, MONDO:0013083, OMIM 613014.

gnomAD v4.1: 2 of 1,614,018 alleles (0.00012%); highest among the groups gnomAD compares: Admixed American, 0.0033%; no homozygotes.

Submission:

Labcorp Genetics (formerly Invitae), Labcorp
Classification: Uncertain significance for Neuroblastoma, susceptibility to, 3. Last evaluated: 2025-05-04. Review status: criteria provided, single submitter. Criteria: Invitae Variant Classification Sherloc (09022015). Collection method: clinical testing. Allele origin: germline.
Comment: This sequence change replaces histidine, which is basic and polar, with arginine, which is basic and polar, at codon 368 of the ALK protein (p.His368Arg). This variant is not present in population databases (gnomAD no frequency). This variant has not been reported in the literature in individuals affected with ALK-related conditions. An algorithm developed to predict the effect of missense changes on protein structure and function (PolyPhen-2) suggests that this variant is likely to be disruptive. In summary, the available evidence is currently insufficient to determine the role of this variant in disease. Therefore, it has been classified as a Variant of Uncertain Significance.

NM_004304.5(ALK):c.1103A>G (p.His368Arg)

Gene: ALK (ALK receptor tyrosine kinase; minus strand). Cytogenetic location: 2p23.2.
Variant type: single nucleotide variant.
Coding change: c.1103A>G on transcript NM_004304.5 (MANE Select); coding-DNA position 1103, A replaced by G.
Protein change: p.His368Arg; replaces histidine 368 with arginine.
Molecular consequence: missense variant.
Genome position (GRCh38, 1-based): chr2:29,531,966, T>C on the plus strand (A>G on the coding strand, the complement: ALK is on the minus strand). VCF-style: chr2-29531966-T-C. GRCh37 (hg19) VCF-style: chr2-29754832-T-C.
Other names: short protein forms H368R.
Identifiers: ClinVar variation 4718871 (VCV004718871.1).